The following is an entry in ClinVar:

NM_024642.5(GALNT12):c.491C>T (p.Pro164Leu)

Gene: GALNT12 (polypeptide N-acetylgalactosaminyltransferase 12; plus strand). Cytogenetic location: 9q22.33.
Variant type: single nucleotide variant.
Coding change: c.491C>T on transcript NM_024642.5 (MANE Select); coding-DNA position 491, C replaced by T.
Protein change: p.Pro164Leu; replaces proline 164 with leucine.
Molecular consequence: missense variant.
Genome position (GRCh38, 1-based): chr9:98,823,375, C>T. VCF-style: chr9-98823375-C-T. GRCh37 (hg19) VCF-style: chr9-101585657-C-T.
Other names: short protein forms P164L.
Identifiers: ClinVar variation 1419511 (VCV001419511.14), dbSNP rs775040546, ClinGen allele CA5153952.

ClinVar aggregate classification (germline): Uncertain significance. Review status: criteria provided, multiple submitters, no conflicts (2 of 4 stars). 5 submissions from 5 submitters: Uncertain significance (5). Last evaluated 2024-05-31.

Conditions:
Colorectal cancer, susceptibility to, 1. Also called: COLORECTAL ADENOMA AND CANCER, SUSCEPTIBILITY TO; COLORECTAL CANCER, SUSCEPTIBILITY TO, ON CHROMOSOME 9. Identifiers: MedGen C1837315, MONDO:0012132, OMIM 608812.

Allele frequency attached by ClinVar (database versions not stated): gnomAD 0.00001 and 0.00004; TOPMed 0.00002; ExAC 0.00006.

Submissions (5):

Ambry Genetics
Classification: Uncertain significance. Last evaluated: 2024-05-31. Review status: criteria provided, single submitter. Criteria: Ambry Variant Classification Scheme 2023. Collection method: clinical testing. Allele origin: germline.
Comment: The p.P164L variant (also known as c.491C>T), located in coding exon 2 of the GALNT12 gene, results from a C to T substitution at nucleotide position 491. The proline at codon 164 is replaced by leucine, an amino acid with similar properties. This amino acid position is well conserved in available vertebrate species. In addition, the in silico prediction for this alteration is inconclusive. The evidence for this gene-disease relationship is limited; therefore, the clinical significance of this alteration is unclear.

Quest Diagnostics Nichols Institute San Juan Capistrano
Classification: Uncertain significance. Last evaluated: 2024-05-17. Review status: criteria provided, single submitter. Criteria: Quest Diagnostics criteria. Collection method: clinical testing. Allele origin: unknown.
Comment: The GALNT12 c.491C>T (p.Pro164Leu) variant has not been reported in individuals with GALNT12-related conditions in the published literature. The frequency of this variant in the general population, 0.00016 (5/30616 chromosomes in South Asian subpopulation (Genome Aggregation Database)), is higher than would generally be expected for pathogenic variants in this gene. Analysis of this variant using bioinformatics tools for the prediction of the effect of amino acid changes on protein structure and function yielded predictions that this variant is damaging. Based on the available information, we are unable to determine the clinical significance of this variant.

Labcorp Genetics (formerly Invitae), Labcorp
Classification: Uncertain significance. Last evaluated: 2024-05-12. Review status: criteria provided, single submitter. Criteria: Invitae Variant Classification Sherloc (09022015). Collection method: clinical testing. Allele origin: germline.
Comment: This sequence change replaces proline, which is neutral and non-polar, with leucine, which is neutral and non-polar, at codon 164 of the GALNT12 protein (p.Pro164Leu). This variant is present in population databases (rs775040546, gnomAD 0.02%). This variant has not been reported in the literature in individuals affected with GALNT12-related conditions. ClinVar contains an entry for this variant (Variation ID: 1419511). Advanced modeling of protein sequence and biophysical properties (such as structural, functional, and spatial information, amino acid conservation, physicochemical variation, residue mobility, and thermodynamic stability) performed at Invitae indicates that this missense variant is expected to disrupt GALNT12 protein function with a positive predictive value of 80%. In summary, the available evidence is currently insufficient to determine the role of this variant in disease. Therefore, it has been classified as a Variant of Uncertain Significance.

Blueprint Genetics
Classification: Uncertain significance. Last evaluated: 2023-02-21. Review status: criteria provided, single submitter. Criteria: ACMG Guidelines, 2015. Collection method: clinical testing. Allele origin: germline.

Baylor Genetics
Classification: Uncertain significance for Colorectal cancer, susceptibility to, 1. Last evaluated: 2023-02-20. Review status: criteria provided, single submitter. Criteria: ACMG Guidelines, 2015. Collection method: clinical testing. Allele origin: unknown.